The following is an entry in ClinVar:

ClinVar aggregate classification (germline): Uncertain significance. Review status: criteria provided, multiple submitters, no conflicts (2 of 4 stars). 5 submissions from 5 submitters: Uncertain significance (4). 1 of the submissions does not count toward it. Last evaluated 2025-03-25.

Conditions:
Autosomal recessive limb-girdle muscular dystrophy type 2E (LGMDR4). Also called: MUSCULAR DYSTROPHY, LIMB-GIRDLE, AUTOSOMAL RECESSIVE 4. Identifiers: Orphanet 119, MedGen C1858593, MONDO:0011423, OMIM 604286. Disease mechanism: Affects gamma-sarcoglycan and also disrupts the integrity of the entire sarcoglycan complex..

Allele frequency attached by ClinVar (database versions not stated): gnomAD exomes below 0.00001.
gnomAD v4.1: 1 of 1,613,832 alleles (0.000062%); highest among the groups gnomAD compares: Admixed American, 0.0017%; no homozygotes.

Submissions (5):

GeneDx
Classification: Uncertain significance. Last evaluated: 2025-03-25. Review status: criteria provided, single submitter. Criteria: GeneDx Variant Classification Process June 2021. Collection method: clinical testing. Allele origin: germline. Affected: yes.
Comment: Not observed at significant frequency in large population cohorts (gnomAD); Missense variants in this gene are a common cause of disease and they are underrepresented in the general population; In silico analysis indicates that this missense variant does not alter protein structure/function; Has not been previously published as pathogenic or benign to our knowledge

Revvity Omics, Revvity
Classification: Uncertain significance for Autosomal recessive limb-girdle muscular dystrophy type 2E. Last evaluated: 2023-10-02. Review status: criteria provided, single submitter. Criteria: ACMG Guidelines, 2015. Collection method: clinical testing. Allele origin: germline.

Labcorp Genetics (formerly Invitae), Labcorp
Classification: Uncertain significance for Autosomal recessive limb-girdle muscular dystrophy type 2E. Last evaluated: 2022-07-12. Review status: criteria provided, single submitter. Criteria: Invitae Variant Classification Sherloc (09022015). Collection method: clinical testing. Allele origin: germline.
Comment: This sequence change replaces serine, which is neutral and polar, with arginine, which is basic and polar, at codon 38 of the SGCB protein (p.Ser38Arg). This variant is present in population databases (no rsID available, gnomAD 0.003%). This variant has not been reported in the literature in individuals affected with SGCB-related conditions. ClinVar contains an entry for this variant (Variation ID: 595552). Algorithms developed to predict the effect of missense changes on protein structure and function are either unavailable or do not agree on the potential impact of this missense change (SIFT: "Deleterious"; PolyPhen-2: "Benign"; Align-GVGD: "Class C15"). In summary, the available evidence is currently insufficient to determine the role of this variant in disease. Therefore, it has been classified as a Variant of Uncertain Significance.

Eurofins Ntd Llc (ga)
Classification: Uncertain significance. Last evaluated: 2017-12-28. Review status: criteria provided, single submitter. Criteria: EGL Classification Definitions 2015. Collection method: clinical testing. Allele origin: germline. Observed: 1 variant allele, 1 heterozygote.

Natera, Inc.
Classification: Uncertain significance for Limb-girdle muscular dystrophy type 2E. Last evaluated: 2020-02-26. Review status: no assertion criteria provided. Collection method: clinical testing. Allele origin: germline. Not counted in ClinVar's aggregate classification.

NM_000232.5(SGCB):c.112A>C (p.Ser38Arg)

Gene: SGCB (sarcoglycan beta; minus strand). Cytogenetic location: 4q12.
Variant type: single nucleotide variant.
Coding change: c.112A>C on transcript NM_000232.5 (MANE Select); coding-DNA position 112, A replaced by C.
Protein change: p.Ser38Arg; replaces serine 38 with arginine.
Molecular consequence: missense variant.
Genome position (GRCh38, 1-based): chr4:52,033,562, T>G on the plus strand (A>C on the coding strand, the complement: SGCB is on the minus strand). VCF-style: chr4-52033562-T-G. GRCh37 (hg19) VCF-style: chr4-52899728-T-G.
Other names: c.112A>C (NM_000232.4); short protein forms S38R.
Identifiers: ClinVar variation 595552 (VCV000595552.16), dbSNP rs1456517729, ClinGen allele CA356878058.